The following is an entry in ClinVar:

ClinVar aggregate classification (germline): Pathogenic. Review status: criteria provided, multiple submitters, no conflicts (2 of 4 stars). 2 submissions from 2 submitters: Pathogenic (2). Last evaluated 2022-03-25.

Conditions:
TBX5-related disorder. Also called: TBX5-related condition.
Aortic valve disease 2 (AOVD2). Identifiers: MedGen C3542024, MONDO:0013902, OMIM 614823.

Submissions (2):

Blueprint Genetics
Classification: Pathogenic for TBX5-related disorders. Last evaluated: 2022-03-25. Review status: criteria provided, single submitter. Criteria: ACMG Guidelines, 2015. Collection method: clinical testing. Allele origin: germline. Affected: yes. Observed: 1 variant allele.

Labcorp Genetics (formerly Invitae), Labcorp
Classification: Pathogenic for Aortic valve disease 2. Last evaluated: 2019-11-05. Review status: criteria provided, single submitter. Criteria: Invitae Variant Classification Sherloc (09022015). Collection method: clinical testing. Allele origin: germline.
Comment: This sequence change creates a premature translational stop signal (p.His271Glnfs*23) in the TBX5 gene. It is expected to result in an absent or disrupted protein product. This variant is not present in population databases (ExAC no frequency). This variant has been observed in individual(s) with Holt-Oram syndrome (PMID: 16183809). Loss-of-function variants in TBX5 are known to be pathogenic (PMID: 16183809, 16917909). For these reasons, this variant has been classified as Pathogenic.

Literature cited by the submitters: PubMed 16183809 (cited by Labcorp Genetics (formerly Invitae), Labcorp).

NM_181486.4(TBX5):c.813_814del (p.His271fs)

Gene: TBX5 (T-box transcription factor 5; minus strand). Cytogenetic location: 12q24.21.
Variant type: Microsatellite.
Coding change: c.813_814del on transcript NM_181486.4 (MANE Select); coding-DNA positions 813 to 814, 2 bases deleted (CA; older notation c.813_814delCA).
Protein change: p.His271fs; shifts the reading frame from histidine 271.
Molecular consequence: frameshift variant.
Genome position (GRCh38, 1-based): chr12:114,366,333-114,366,334, TG deleted on the plus strand (CA on the coding strand, the reverse complement: TBX5 is on the minus strand); deleting any 2 consecutive bases within chr12:114,366,333-114,366,336 gives the same sequence; the c. name uses the placement nearest the transcript's 3' end. VCF-style (leftmost placement, unchanged base first): chr12-114366332-CTG-C. GRCh37 (hg19) VCF-style: chr12-114804137-CTG-C.
Other names: c.813_814del, p.His271fs (NM_000192.3); c.663_664del, p.His221fs (NM_080717.4); short protein forms H271fs, H221fs.
Identifiers: ClinVar variation 957169 (VCV000957169.2), dbSNP rs1869539814, ClinGen allele CA2064638483.